The following is an entry in ClinVar:

ClinVar aggregate classification (germline): Uncertain significance. Review status: criteria provided, multiple submitters, no conflicts (2 of 4 stars). 3 submissions from 3 submitters: Uncertain significance (3). Last evaluated 2025-02-19.

Conditions:
Dilated cardiomyopathy 1HH (CMD1HH). Identifiers: Orphanet 154, MedGen C3151293, MONDO:0013479, OMIM 613881.
Myofibrillar myopathy 6. Identifiers: Orphanet 199340, MedGen C2751831, MONDO:0013061, OMIM 612954.
Cardiovascular phenotype. Identifiers: MedGen CN230736.

Allele frequency attached by ClinVar (database versions not stated): ExAC 0.00001; gnomAD 0.00001; gnomAD exomes 0.00001; TOPMed 0.00002.
gnomAD v4.1: 11 of 1,614,088 alleles (0.00068%); highest among the groups gnomAD compares: South Asian, 0.0011%; no homozygotes.

Submissions (3):

Labcorp Genetics (formerly Invitae), Labcorp
Classification: Uncertain significance for Dilated cardiomyopathy 1HH; Myofibrillar myopathy 6. Last evaluated: 2025-02-19. Review status: criteria provided, single submitter. Criteria: Invitae Variant Classification Sherloc (09022015). Collection method: clinical testing. Allele origin: germline.
Comment: This sequence change replaces alanine, which is neutral and non-polar, with threonine, which is neutral and polar, at codon 103 of the BAG3 protein (p.Ala103Thr). This variant is present in population databases (rs774085716, gnomAD 0.003%). This variant has not been reported in the literature in individuals affected with BAG3-related conditions. ClinVar contains an entry for this variant (Variation ID: 1413666). Invitae Evidence Modeling of protein sequence and biophysical properties (such as structural, functional, and spatial information, amino acid conservation, physicochemical variation, residue mobility, and thermodynamic stability) indicates that this missense variant is not expected to disrupt BAG3 protein function with a negative predictive value of 80%. In summary, the available evidence is currently insufficient to determine the role of this variant in disease. Therefore, it has been classified as a Variant of Uncertain Significance.

Revvity Omics, Revvity
Classification: Uncertain significance. Last evaluated: 2025-01-29. Review status: criteria provided, single submitter. Criteria: ACMG Guidelines, 2015. Collection method: clinical testing. Allele origin: germline.

Ambry Genetics
Classification: Uncertain significance for Cardiovascular phenotype. Last evaluated: 2020-02-25. Review status: criteria provided, single submitter. Criteria: Ambry Variant Classification Scheme 2023. Collection method: clinical testing. Allele origin: germline.
Comment: The p.A103T variant (also known as c.307G>A), located in coding exon 2 of the BAG3 gene, results from a G to A substitution at nucleotide position 307. The alanine at codon 103 is replaced by threonine, an amino acid with similar properties. This amino acid position is poorly conserved in available vertebrate species. In addition, this alteration is predicted to be tolerated by in silico analysis. Since supporting evidence is limited at this time, the clinical significance of this alteration remains unclear.

NM_004281.4(BAG3):c.307G>A (p.Ala103Thr)

Gene: BAG3 (BAG cochaperone 3; plus strand). Cytogenetic location: 10q26.11.
Variant type: single nucleotide variant.
Coding change: c.307G>A on transcript NM_004281.4 (MANE Select); coding-DNA position 307, G replaced by A.
Protein change: p.Ala103Thr; replaces alanine 103 with threonine.
Molecular consequence: missense variant.
Genome position (GRCh38, 1-based): chr10:119,669,977, G>A. VCF-style: chr10-119669977-G-A. GRCh37 (hg19) VCF-style: chr10-121429489-G-A.
Other names: short protein forms A103T.
Identifiers: ClinVar variation 1413666 (VCV001413666.9), dbSNP rs774085716, ClinGen allele CA5716287.
Genomic context (GRCh38, chr10:119,669,977, plus strand): 5'-CACCCTGTGTACCCCCAGCTCCGACCAGGCTACATTCCCATTCCTGTGCTCCATGAAGGC[G>A]CTGAGAACCGGCAGGTGCACCCTTTCCATGTCTATCCCCAGCCTGGGATGCAGCGATTCC-3'
Protein context (NP_004272.2, residues 93-113): YIPIPVLHEG[Ala103Thr]ENRQVHPFHV